The following is an entry in ClinVar:

NM_001130021.3(ATP6V0A1):c.682C>G (p.Gln228Glu)

Gene: ATP6V0A1 (ATPase H+ transporting V0 subunit a1; plus strand). Cytogenetic location: 17q21.2.
Variant type: single nucleotide variant.
Coding change: c.682C>G on transcript NM_001130021.3 (MANE Select); coding-DNA position 682, C replaced by G.
Protein change: p.Gln228Glu; replaces glutamine 228 with glutamic acid.
Molecular consequence: missense variant.
Genome position (GRCh38, 1-based): chr17:42,480,715, C>G. VCF-style: chr17-42480715-C-G. GRCh37 (hg19) VCF-style: chr17-40632733-C-G.
Other names: c.703C>G, p.Gln235Glu (NM_001130020.3, NM_001378522.1, NM_001378523.1 and 3 more transcripts); c.805C>G, p.Gln269Glu (NM_001378530.1, NM_001378533.1, NM_001378551.1 and 1 more transcripts); c.826C>G, p.Gln276Glu (NM_001378531.1, NM_001378532.1); c.682C>G, p.Gln228Glu (NM_001378535.1, NM_001378537.1, NM_001378542.1 and 6 more transcripts); c.574C>G, p.Gln192Glu (NM_001378536.1, NM_001378550.1, NM_001378556.1); c.553C>G, p.Gln185Glu (NM_001378538.1, NM_001378540.1); c.523C>G, p.Gln175Glu (NM_001378543.1); c.472C>G, p.Gln158Glu (NM_001378545.1, NM_001378554.1); and 1 more; short protein forms Q158E, Q168E, Q175E, Q185E, Q192E, Q228E, Q235E, Q269E.
Identifiers: ClinVar variation 3384586 (VCV003384586.1).
Genomic context (GRCh38, chr17:42,480,715, plus strand): 5'-TCTGGGGCCTAGGGCGACTACGTGCACAAGTCTGTGTTTATCATTTTCTTCCAAGGCGAT[C>G]AGCTGAAAAACAGAGTCAAGAAAATCTGTGAAGGGTAAGAGAGGCATGCCTCTACCAGGA-3'
Protein context (NP_001123493.1, residues 218-238): SVFIIFFQGD[Gln228Glu]LKNRVKKICE

ClinVar aggregate classification (germline): Uncertain significance (1 of 4 stars; one submission).

Submission:

GeneDx
Classification: Uncertain significance. Last evaluated: 2024-06-06. Review status: criteria provided, single submitter. Criteria: GeneDx Variant Classification Process June 2021. Collection method: clinical testing. Allele origin: germline. Affected: yes.
Comment: Not observed at significant frequency in large population cohorts (gnomAD); In silico analysis supports that this missense variant has a deleterious effect on protein structure/function; Has not been previously published as pathogenic or benign to our knowledge